The following is an entry in ClinVar:

ClinVar aggregate classification (germline): Conflicting classifications of pathogenicity. Review status: criteria provided, conflicting classifications (1 of 4 stars). 2 submissions from 2 submitters: Likely pathogenic (1); Uncertain significance (1). Last evaluated 2026-07-01.

Conditions:
Glycogen storage disease, type II (IOPD). Also called: Pompe Disease; CARDIOMEGALIA GLYCOGENICA DIFFUSA; GLYCOGENOSIS, GENERALIZED, CARDIAC FORM; GSD II; POMPE DISEASE, INFANTILE-ONSET; GLYCOGEN STORAGE DISEASE II, INFANTILE-ONSET. Identifiers: Orphanet 365, MedGen C0017921, MONDO:0009290, OMIM 232300.

Submissions (2):

Genomenon, Inc
Classification: Uncertain significance for Glycogen storage disease, type II. Last evaluated: 2026-07-01. Review status: criteria provided, single submitter. Criteria: Genomenon Sequence Variant Interpretation Standards - Updated. Collection method: curation. Allele origin: germline. Affected: yes.
Comment: GAA p.Glu539Lys (c.1615G>A) is a missense variant that changes the amino acid at codon 539 from Glutamic acid to Lysine. This variant has been observed in at least one proband with a GAA-related disorder in the compound heterozygous and/or homozygous state (PMID:38958145). It is absent or not present at a significant frequency in gnomAD. In conclusion, we classify GAA p.Glu539Lys (c.1615G>A) as a variant of uncertain significance.

Natera, Inc.
Classification: Likely pathogenic for Glycogen storage disease type II. Last evaluated: 2025-10-14. Review status: criteria provided, single submitter. Criteria: Natera Variant Classification Schema (03/2026). Collection method: clinical testing. Allele origin: germline.
Comment: The c.1615G>A variant in GAA is a missense variant predicted to cause substitution of glutamic acid to lysine at amino acid 539. This variant is rare in the general population with a frequency below the threshold expected for the associated phenotype(s). This variant has been observed in one or more individuals affected with the associated recessive disease, as either homozygous or compound heterozygous with a second variant (PMID: 38958145). This variant has been identified in one or more affected individual with a phenotype highly consistent with the associated gene (PMID: 38958145). Computational prediction algorithms indicate this variant is likely to affect gene or protein function. Given the available evidence, this variant is classified as Likely Pathogenic.

Literature cited by the submitters: PubMed 38958145 (cited by Genomenon, Inc and Natera, Inc.).

NM_000152.5(GAA):c.1615G>A (p.Glu539Lys)

Gene: GAA (alpha glucosidase; plus strand). Cytogenetic location: 17q25.3.
Variant type: single nucleotide variant.
Coding change: c.1615G>A on transcript NM_000152.5 (MANE Select); coding-DNA position 1615, G replaced by A.
Protein change: p.Glu539Lys; replaces glutamic acid 539 with lysine.
Molecular consequence: missense variant.
Genome position (GRCh38, 1-based): chr17:80,111,004, G>A. VCF-style: chr17-80111004-G-A. GRCh37 (hg19) VCF-style: chr17-78084803-G-A.
Other names: c.1615G>A, p.Glu539Lys (NM_001406741.1, NM_001406742.1, NM_001079803.3 and 1 more transcripts); short protein forms E539K.
Identifiers: ClinVar variation 4817582 (VCV004817582.2).